The following is an entry in ClinVar:

NM_003560.4(PLA2G6):c.834G>C (p.Gln278His)

Gene: PLA2G6 (phospholipase A2 group VI; minus strand). Cytogenetic location: 22q13.1.
Variant type: single nucleotide variant.
Coding change: c.834G>C on transcript NM_003560.4 (MANE Select); coding-DNA position 834, G replaced by C.
Protein change: p.Gln278His; replaces glutamine 278 with histidine.
Molecular consequence: missense variant.
Genome position (GRCh38, 1-based): chr22:38,135,048, C>G on the plus strand (G>C on the coding strand, the complement: PLA2G6 is on the minus strand). VCF-style: chr22-38135048-C-G. GRCh37 (hg19) VCF-style: chr22-38531055-C-G.
Other names: c.834G>C, p.Gln278His (NM_001004426.3, NM_001199562.3, NM_001349864.2 and 2 more transcripts); c.300G>C, p.Gln100His (NM_001349867.2, NM_001349869.2); c.156G>C, p.Gln52His (NM_001349868.2); short protein forms Q278H, Q52H, Q100H.
Identifiers: ClinVar variation 522674 (VCV000522674.5), dbSNP rs1556010444, ClinGen allele CA411531125.

ClinVar aggregate classification (germline): Conflicting classifications of pathogenicity. Review status: criteria provided, conflicting classifications (1 of 4 stars). 2 submissions from 2 submitters: Likely pathogenic (1); Uncertain significance (1). Last evaluated 2024-10-28.

Conditions:
Infantile neuroaxonal dystrophy (NBIA2A). Also called: Infantile neuroaxonal dystrophy 1; NEURODEGENERATION WITH BRAIN IRON ACCUMULATION 2A; SEITELBERGER DISEASE. Identifiers: Orphanet 35069, MedGen C0270724, MONDO:0024457, OMIM 256600.

Submissions (2):

Women's Health and Genetics/Laboratory Corporation of America, LabCorp
Classification: Uncertain significance. Last evaluated: 2024-10-28. Review status: criteria provided, single submitter. Criteria: LabCorp Variant Classification Summary - May 2015. Collection method: clinical testing. Allele origin: germline.
Comment: Variant summary: PLA2G6 c.834G>C (p.Gln278His) results in a non-conservative amino acid change in the encoded protein sequence. Three of five in-silico tools predict a damaging effect of the variant on protein function. The variant was absent in 250438 control chromosomes. The available data on variant occurrences in the general population are insufficient to allow any conclusion about variant significance. To our knowledge, no occurrence of c.834G>C in individuals affected with Neurodegeneration With Brain Iron Accumulation and no experimental evidence demonstrating its impact on protein function have been reported. ClinVar contains an entry for this variant (Variation ID: 522674). Based on the evidence outlined above, the variant was classified as uncertain significance.

Genomic Research Center, Shahid Beheshti University of Medical Sciences
Classification: Likely pathogenic for Infantile neuroaxonal dystrophy. Last evaluated: 2020-05-03. Review status: criteria provided, single submitter. Criteria: ACMG Guidelines, 2015. Collection method: clinical testing. Allele origin: unknown. Affected: yes.